The following is an entry in ClinVar:

ClinVar aggregate classification (germline): Uncertain significance (1 of 4 stars; one submission).

Conditions:
LAMA2-related muscular dystrophy (LAMA2-RD). Also called: Laminin alpha 2-related dystrophy. Identifiers: MedGen C5679788, MONDO:0100228.

Submission:

Labcorp Genetics (formerly Invitae), Labcorp
Classification: Uncertain significance for LAMA2-related muscular dystrophy. Last evaluated: 2023-07-17. Review status: criteria provided, single submitter. Criteria: Invitae Variant Classification Sherloc (09022015). Collection method: clinical testing. Allele origin: germline.
Comment: In summary, the available evidence is currently insufficient to determine the role of this variant in disease. Therefore, it has been classified as a Variant of Uncertain Significance. Advanced modeling of protein sequence and biophysical properties (such as structural, functional, and spatial information, amino acid conservation, physicochemical variation, residue mobility, and thermodynamic stability) performed at Invitae indicates that this missense variant is not expected to disrupt LAMA2 protein function. ClinVar contains an entry for this variant (Variation ID: 1974454). This variant has not been reported in the literature in individuals affected with LAMA2-related conditions. This variant is not present in population databases (gnomAD no frequency). This sequence change replaces proline, which is neutral and non-polar, with leucine, which is neutral and non-polar, at codon 1405 of the LAMA2 protein (p.Pro1405Leu).

NM_000426.4(LAMA2):c.4214C>T (p.Pro1405Leu)

Gene: LAMA2 (laminin subunit alpha 2; plus strand). Cytogenetic location: 6q22.33.
Variant type: single nucleotide variant.
Coding change: c.4214C>T on transcript NM_000426.4 (MANE Select); coding-DNA position 4214, C replaced by T.
Protein change: p.Pro1405Leu; replaces proline 1405 with leucine.
Molecular consequence: missense variant.
Genome position (GRCh38, 1-based): chr6:129,328,315, C>T. VCF-style: chr6-129328315-C-T. GRCh37 (hg19) VCF-style: chr6-129649460-C-T.
Other names: c.4214C>T, p.Pro1405Leu (NM_001079823.2); short protein forms P1405L.
Identifiers: ClinVar variation 1974454 (VCV001974454.5), dbSNP rs2482475770, ClinGen allele CA365614219.
Genomic context (GRCh38, chr6:129,328,315, plus strand): 5'-TAATTGGCTTCCTTTTCTTTCAGGCATGCTTGCCGGGATTTTATCGACTGCGTTCTCAAC[C>T]AGGTGGCCGCACCCCTGGACCAACCCTGGGCACCTGTGTTCCATGTCAATGTAATGGACA-3'
Protein context (NP_000417.3, residues 1395-1415): LPGFYRLRSQ[Pro1405Leu]GGRTPGPTLG